The following is an entry in ClinVar:

ClinVar aggregate classification (germline): Pathogenic (1 of 4 stars; one submission).

Conditions:
Osteogenesis imperfecta, perinatal lethal (OI2). Also called: OSTEOGENESIS IMPERFECTA, TYPE II; Osteogenesis imperfecta, dominant perinatal lethal; OI, TYPE II; OSTEOGENESIS IMPERFECTA CONGENITA; VROLIK TYPE OF OSTEOGENESIS IMPERFECTA; Osteogenesis imperfecta type 2. Identifiers: Orphanet 216804, MedGen C0268358, MONDO:0008147, OMIM 166210.

Submission:

Victorian Clinical Genetics Services, Murdoch Childrens Research Institute
Classification: Pathogenic for Osteogenesis imperfecta, perinatal lethal. Last evaluated: 2025-05-14. Review status: criteria provided, single submitter. Criteria: ACMG Guidelines, 2015. Collection method: clinical testing. Allele origin: germline. Affected: yes.
Comment: This variant is classified as Pathogenic. Evidence in support of pathogenic classification: Variant is absent from gnomAD (v2, v3 and v4); This variant has limited previous evidence of pathogenicity in an unrelated individual(s). This variant has been reported in an individual with osteogenesis imperfecta type III (PMID: 27509835). - Another missense variant(s) comparable to the one identified in this case has moderate previous evidence for pathogenicity. p.(Gly248Arg) has been reported in the literature in individuals with osteogenesis imperfecta type III (PMIDs: 17078022, 31447884). - Variant is located in the well-established functional Gly-X-Y motif in the collagen triple helical region (DECIPHER); Missense variant predicted to be damaging by in silico tool(s) or highly conserved with a major amino acid change; Additional information: Variant is predicted to result in a missense amino acid change from glycine to glutamic acid; This variant is heterozygous; This gene is associated with autosomal dominant disease; No published segregation evidence has been identified for this variant; No published functional evidence has been identified for this variant; Dominant negative and loss of function are known mechanisms of disease in this gene and are associated with osteogenesis imperfecta (OI) types I-IV, and other conditions (OMIM). Variants resulting in a truncated protein are known to have a loss of function effect on protein, while missense variants affecting the G-X-Y of a triple helix motif have a dominant negative effect (PMIDs: 27509835, 12362985); Variants in this gene are known to have variable expressivity (PMID: 20301472).

Literature cited by the submitters: PubMed 12362985; PubMed 17078022; PubMed 27509835; PubMed 20301472; PubMed 31447884.

NM_000088.4(COL1A1):c.743G>A (p.Gly248Glu)

Genes: COL1A1 (collagen type I alpha 1 chain; minus strand), LOC126862586 (CDK7 strongly-dependent group 2 enhancer GRCh37_chr17:48273702-48274901; plus strand). Cytogenetic location: 17q21.33.
Variant type: single nucleotide variant.
Coding change: c.743G>A on transcript NM_000088.4 (MANE Select); coding-DNA position 743, G replaced by A.
Protein change: p.Gly248Glu; replaces glycine 248 with glutamic acid.
Molecular consequence: missense variant.
Genome position (GRCh38, 1-based): chr17:50,197,187, C>T on the plus strand (G>A on the coding strand, the complement: COL1A1 is on the minus strand). VCF-style: chr17-50197187-C-T. GRCh37 (hg19) VCF-style: chr17-48274548-C-T.
Other names: short protein forms G248E.
Identifiers: ClinVar variation 4531667 (VCV004531667.1).